The following is an entry in ClinVar:

NM_152564.5(VPS13B):c.10198C>T (p.Pro3400Ser)

Gene: VPS13B (vacuolar protein sorting 13 homolog B; plus strand). Cytogenetic location: 8q22.2.
Variant type: single nucleotide variant.
Coding change: c.10198C>T on transcript NM_152564.5 (MANE Select); coding-DNA position 10198, C replaced by T.
Protein change: p.Pro3400Ser; replaces proline 3400 with serine.
Molecular consequence: missense variant.
Genome position (GRCh38, 1-based): chr8:99,853,587, C>T. VCF-style: chr8-99853587-C-T. GRCh37 (hg19) VCF-style: chr8-100865815-C-T.
Other names: c.10273C>T, p.Pro3425Ser (NM_017890.5); short protein forms P3425S, P3400S.
Identifiers: ClinVar variation 846263 (VCV000846263.5), dbSNP rs1816400653, ClinGen allele CA371780990.

ClinVar aggregate classification (germline): Uncertain significance (1 of 4 stars; one submission).

Conditions:
Cohen syndrome (COH1). Also called: PEPPER SYNDROME; Cutis verticis gyrata, retinitis pigmentosa, and sensorineural deafness. Identifiers: Orphanet 193, MedGen C0265223, MONDO:0008999, OMIM 216550.

Allele frequency attached by ClinVar (database versions not stated): gnomAD exomes below 0.00001; TOPMed 0.00001.
gnomAD v4.1: 2 of 1,614,190 alleles (0.00012%); highest among the groups gnomAD compares: Non-Finnish European, 0.00017%; no homozygotes.

Submission:

Labcorp Genetics (formerly Invitae), Labcorp
Classification: Uncertain significance for Cohen syndrome. Last evaluated: 2021-11-11. Review status: criteria provided, single submitter. Criteria: Invitae Variant Classification Sherloc (09022015). Collection method: clinical testing. Allele origin: germline.
Comment: This sequence change replaces proline, which is neutral and non-polar, with serine, which is neutral and polar, at codon 3425 of the VPS13B protein (p.Pro3425Ser). This variant is not present in population databases (gnomAD no frequency). This variant has not been reported in the literature in individuals affected with VPS13B-related conditions. ClinVar contains an entry for this variant (Variation ID: 846263). Algorithms developed to predict the effect of missense changes on protein structure and function are either unavailable or do not agree on the potential impact of this missense change (SIFT: "Not Available"; PolyPhen-2: "Possibly Damaging"; Align-GVGD: "Not Available"). In summary, the available evidence is currently insufficient to determine the role of this variant in disease. Therefore, it has been classified as a Variant of Uncertain Significance.